The following is an entry in ClinVar:

ClinVar aggregate classification (germline): Benign (1 of 4 stars; one submission).

gnomAD v4.1: 2,843 of 1,487,282 alleles (0.19%); highest among the groups gnomAD compares: Non-Finnish European, 0.19%; 5 homozygotes.

Submissions (7):

CeGaT Center for Human Genetics Tuebingen
Classification: Benign. Last evaluated: 2026-06-01. Review status: criteria provided, single submitter. Criteria: CeGaT Center For Human Genetics Tuebingen Variant Classification Criteria Version 2. Collection method: clinical testing. Allele origin: germline. Affected: yes. Observed: 5 variant alleles.
Comment: PIGF: BS1, BS2

Dr. Peter K. Rogan Lab, Western University
No classification provided (evidence only). Condition: Clear cell carcinoma of kidney. Review status: no classification provided. Collection method: in vitro. Allele origin: not applicable. Functional consequence: retained intron. Not counted in ClinVar's aggregate classification.

Dr. Peter K. Rogan Lab, Western University
No classification provided (evidence only). Condition: Clear cell carcinoma of kidney. Review status: no classification provided. Collection method: in vitro. Allele origin: not applicable. Functional consequence: retained intron. Not counted in ClinVar's aggregate classification.

Dr. Peter K. Rogan Lab, Western University
No classification provided (evidence only). Condition: Cervical cancer. Review status: no classification provided. Collection method: in vitro. Allele origin: not applicable. Functional consequence: retained intron. Not counted in ClinVar's aggregate classification.

Dr. Peter K. Rogan Lab, Western University
No classification provided (evidence only). Condition: Cervical cancer. Review status: no classification provided. Collection method: in vitro. Allele origin: not applicable. Functional consequence: retained intron. Not counted in ClinVar's aggregate classification.

Dr. Peter K. Rogan Lab, Western University
No classification provided (evidence only). Condition: Malignant lymphoma, large B-cell, diffuse. Review status: no classification provided. Collection method: in vitro. Allele origin: not applicable. Functional consequence: retained intron. Not counted in ClinVar's aggregate classification.

Dr. Peter K. Rogan Lab, Western University
No classification provided (evidence only). Condition: Gastric cancer. Review status: no classification provided. Collection method: in vitro. Allele origin: not applicable. Functional consequence: retained intron. Not counted in ClinVar's aggregate classification.

NM_002643.4(PIGF):c.370A>G (p.Thr124Ala)

Gene: PIGF (phosphatidylinositol glycan anchor biosynthesis class F; minus strand). Cytogenetic location: 2p21.
Variant type: single nucleotide variant.
Coding change: c.370A>G on transcript NM_002643.4 (MANE Select); coding-DNA position 370, A replaced by G.
Protein change: p.Thr124Ala; replaces threonine 124 with alanine.
Molecular consequence: missense variant.
Genome position (GRCh38, 1-based): chr2:46,612,295, T>C on the plus strand (A>G on the coding strand, the complement: PIGF is on the minus strand). VCF-style: chr2-46612295-T-C. GRCh37 (hg19) VCF-style: chr2-46839434-T-C.
Other names: NC_000002.11:g.46839434T>C; c.370A>G, p.Thr124Ala (NM_173074.3); short protein forms T124A.
Identifiers: ClinVar variation 4083707 (VCV004083707.9).
Genomic context (GRCh38, chr2:46,612,295, plus strand): 5'-TACTGAACACTCTTAGCCATGCTTTGAGGTTTGGTCCTAACAAACATAAGCAAGGCACAG[T>C]AGTAAAAGTAGACAAAATAACTGCAAATAAAAATGTTTCCAATGCCAACCTAGAAAAAAA-3'
Protein context (NP_002634.1, residues 114-134): LFAVILSTFT[Thr124Ala]VPCLCLLGPN